The following is an entry in ClinVar:

ClinVar aggregate classification (germline): Benign/Likely benign. Review status: criteria provided, multiple submitters, no conflicts (2 of 4 stars). 5 submissions from 5 submitters: Benign (2); Likely benign (3). Last evaluated 2026-06-24.

Conditions:
Retinoblastoma (RB1). Also called: RETINOBLASTOMA, SOMATIC. Identifiers: Orphanet 790, MedGen C0035335, MeSH D012175, MONDO:0008380, OMIM 180200, HP:0009919. Disease mechanism: loss of function. Inheritance: Both sporadic and heritable forms are tested..

Allele frequency attached by ClinVar (database versions not stated): gnomAD exomes 0.00022 and 0.00018; 1000 Genomes Project 30x 0.00047; ExAC 0.00016; gnomAD 0.00018.

Submissions (7):

Myriad Genetics, Inc.
Classification: Benign for Retinoblastoma. Last evaluated: 2026-06-24. Review status: criteria provided, single submitter. Criteria: Myriad Autosomal Dominant, Autosomal Recessive and X-Linked Classification Criteria (2023). Collection method: clinical testing. Allele origin: unknown.
Comment: This variant is considered benign. This variant is intronic and is not expected to impact mRNA splicing. This variant has been observed at a population frequency that is significantly greater than expected given the associated disease prevalence and penetrance.

Women's Health and Genetics/Laboratory Corporation of America, LabCorp
Classification: Benign. Last evaluated: 2025-09-11. Review status: criteria provided, single submitter. Criteria: LabCorp Variant Classification Summary - May 2015. Collection method: clinical testing. Allele origin: germline.

Blueprint Genetics
Classification: Likely benign. Last evaluated: 2024-11-18. Review status: criteria provided, single submitter. Criteria: ACMG Guidelines, 2015. Collection method: clinical testing. Allele origin: germline.

GeneDx
Classification: Likely benign. Last evaluated: 2017-09-21. Review status: criteria provided, single submitter. Criteria: GeneDx Variant Classification (06012015). Collection method: clinical testing. Allele origin: germline. Affected: yes.
Comment: This variant is considered likely benign or benign based on one or more of the following criteria: it is a conservative change, it occurs at a poorly conserved position in the protein, it is predicted to be benign by multiple in silico algorithms, and/or has population frequency not consistent with disease.

Breakthrough Genomics
Classification: Likely benign. Review status: criteria provided, single submitter. Criteria: ACMG Guidelines, 2015. Collection method: not provided. Allele origin: germline. Inheritance: Autosomal dominant inheritance. Affected: yes.

Dr. Peter K. Rogan Lab, Western University
No classification provided (evidence only). Condition: Acute myeloid leukemia. Review status: no classification provided. Collection method: in vitro. Allele origin: not applicable. Functional consequence: retained intron. Not counted in ClinVar's aggregate classification.

Dr. Peter K. Rogan Lab, Western University
No classification provided (evidence only). Condition: Sarcoma. Review status: no classification provided. Collection method: in vitro. Allele origin: not applicable. Functional consequence: retained intron. Not counted in ClinVar's aggregate classification.

NM_000321.3(RB1):c.1390-16A>T

Gene: RB1 (RB transcriptional corepressor 1; plus strand). Cytogenetic location: 13q14.2.
Variant type: single nucleotide variant.
Coding change: c.1390-16A>T on transcript NM_000321.3 (MANE Select); 16 bases into the intron before coding-DNA position 1390, A replaced by T.
Molecular consequence: intron variant.
Genome position (GRCh38, 1-based): chr13:48,380,037, A>T. VCF-style: chr13-48380037-A-T. GRCh37 (hg19) VCF-style: chr13-48954173-A-T.
Other names: NC_000013.10:g.48954173A>T.
Identifiers: ClinVar variation 512243 (VCV000512243.6), dbSNP rs781419356, ClinGen allele CA028544.